The following is an entry in ClinVar:

ClinVar aggregate classification (germline): Pathogenic/Likely pathogenic. Review status: criteria provided, multiple submitters, no conflicts (2 of 4 stars). 5 submissions from 5 submitters: Pathogenic (3); Likely pathogenic (2). Last evaluated 2024-08-07.

Conditions:
Hereditary nonpolyposis colorectal neoplasms. Identifiers: MedGen C0009405, MeSH D003123.
Hereditary cancer-predisposing syndrome. Also called: Neoplastic Syndromes, Hereditary; Tumor predisposition; Hereditary Cancer Syndrome; Hereditary neoplastic syndrome. Identifiers: Orphanet 140162, MedGen C0027672, MeSH D009386, MONDO:0015356.
Lynch syndrome 5 (LYNCH5). Also called: Colorectal cancer, hereditary nonpolyposis, type 5; Hereditary non-polyposis colorectal cancer, type 5. Identifiers: Orphanet 144, MedGen C1833477, MONDO:0013710, OMIM 614350. Disease mechanism: loss of function.
Endometrial carcinoma. Also called: Endometrial carcinoma, somatic. Identifiers: MedGen C0476089, MONDO:0002447, OMIM 608089, HP:0012114.

Submissions (5):

Labcorp Genetics (formerly Invitae), Labcorp
Classification: Pathogenic for Hereditary nonpolyposis colorectal neoplasms. Last evaluated: 2024-08-07. Review status: criteria provided, single submitter. Criteria: Invitae Variant Classification Sherloc (09022015). Collection method: clinical testing. Allele origin: germline.
Comment: This sequence change creates a premature translational stop signal (p.Ser666*) in the MSH6 gene. It is expected to result in an absent or disrupted protein product. Loss-of-function variants in MSH6 are known to be pathogenic (PMID: 18269114, 24362816). This variant is not present in population databases (gnomAD no frequency). This variant has not been reported in the literature in individuals affected with MSH6-related conditions. ClinVar contains an entry for this variant (Variation ID: 820497). For these reasons, this variant has been classified as Pathogenic.

Baylor Genetics
Classification: Likely pathogenic for Endometrial carcinoma. Last evaluated: 2023-11-02. Review status: criteria provided, single submitter. Criteria: ACMG Guidelines, 2015. Collection method: clinical testing. Allele origin: unknown.

MGZ Medical Genetics Center
Classification: Likely pathogenic for Lynch syndrome 5. Last evaluated: 2022-05-31. Review status: criteria provided, single submitter. Criteria: ACMG Guidelines, 2015. Collection method: clinical testing. Allele origin: germline. Affected: yes. Observed: 1 variant allele.
Comment: ACMG criteria applied: PVS1, PM2_SUP

Color Diagnostics, LLC DBA Color Health
Classification: Pathogenic for Hereditary cancer-predisposing syndrome. Last evaluated: 2019-07-08. Review status: criteria provided, single submitter. Criteria: ACMG Guidelines, 2015. Collection method: clinical testing. Allele origin: germline.
Comment: This variant deletes 2 nucleotides in exon 4 of the MSH6 gene, creating a frameshift and premature translation stop signal. This variant is expected to result in an absent or non-functional protein product. To our knowledge, functional assays have not been performed for this variant nor has this variant been reported in individuals affected with hereditary cancer in the literature. This variant has not been identified in the general population by the Genome Aggregation Database (gnomAD). Loss of MSH6 function is a known mechanism of disease. Based on available evidence, this variant is classified as Pathogenic.

Ambry Genetics
Classification: Pathogenic for Hereditary cancer-predisposing syndrome. Last evaluated: 2018-08-16. Review status: criteria provided, single submitter. Criteria: Ambry Variant Classification Scheme 2023. Collection method: clinical testing. Allele origin: germline.
Comment: The c.1997_1998delCT pathogenic mutation (also known as p.S666*), located in coding exon 4 of the MSH6 gene, results from a deletion of two nucleotides at nucleotide positions 1997 to 1998. This changes the amino acid from a serine to a stop codon within coding exon 4. This alteration is expected to result in loss of function by premature protein truncation or nonsense-mediated mRNA decay. As such, this alteration is interpreted as a disease-causing mutation.

Literature cited by the submitters: PubMed 18269114 (cited by Labcorp Genetics (formerly Invitae), Labcorp); PubMed 24362816 (cited by Labcorp Genetics (formerly Invitae), Labcorp).

NM_000179.3(MSH6):c.1997_1998del (p.Glu665_Ser666insTer)

Gene: MSH6 (mutS homolog 6; plus strand). Cytogenetic location: 2p16.3.
Variant type: Deletion.
Coding change: c.1997_1998del on transcript NM_000179.3 (MANE Select); coding-DNA positions 1997 to 1998, 2 bases deleted (CT; older notation c.1997_1998delCT).
Protein change: p.Glu665_Ser666insTer.
Molecular consequence: nonsense.
Genome position (GRCh38, 1-based): chr2:47,799,980-47,799,981, CT deleted; deleting any 2 consecutive bases within chr2:47,799,979-47,799,981 gives the same sequence; the c. name uses the placement nearest the transcript's 3' end. VCF-style (leftmost placement, unchanged base first): chr2-47799978-GTC-G. GRCh37 (hg19) VCF-style: chr2-48027117-GTC-G.
Other names: c.1607_1608del, p.Glu535_Ser536insTer (NM_001281492.2); c.1091_1092del, p.Glu363_Ser364insTer (NM_001281493.2, NM_001281494.2); c.1997_1998del (NM_000179.2).
Identifiers: ClinVar variation 820497 (VCV000820497.17), dbSNP rs1572725235, ClinGen allele CA915943924.
Genomic context (GRCh38, chr2:47,799,978, plus strand): 5'-AAAGCTAAGTGATGGCATTGGGGTGATGTTACCCCAGGTGCTTAAAGGTATGACTTCAGA[GTC>G]TGATTCCATTGGGTTGACACCAGGAGAGAAAAGTGAATTGGCCCTCTCTGCTCTAGGTGG-3'